The following is an entry in ClinVar:

ClinVar aggregate classification (germline): Uncertain significance. Review status: criteria provided, multiple submitters, no conflicts (2 of 4 stars). 3 submissions from 3 submitters: Uncertain significance (3). Last evaluated 2025-06-09.

Conditions:
Fetal akinesia deformation sequence 1 (FADS1). Also called: Fetal akinesia sequence; Pena-Shokeir syndrome type I. Identifiers: Orphanet 994, MedGen C1276035, MONDO:0100101, OMIM 208150, HP:0001989.
Congenital myasthenic syndrome 9. Also called: Myasthenic syndrome, congenital, 9, associated with acetylcholine receptor deficiency. Identifiers: Orphanet 590, MedGen C4225368, MONDO:0014587, OMIM 616325.
Inborn genetic diseases. Identifiers: MedGen C0950123, MeSH D030342.

Allele frequency attached by ClinVar (database versions not stated): gnomAD exomes below 0.00001; ExAC 0.00001; TOPMed 0.00005; gnomAD 0.00009 and 0.00010.
gnomAD v4.1: 18 of 1,613,878 alleles (0.0011%); highest among the groups gnomAD compares: African/African-American, 0.023%; no homozygotes.

Submissions (3):

Ambry Genetics
Classification: Uncertain significance for Inborn genetic diseases. Last evaluated: 2025-06-09. Review status: criteria provided, single submitter. Criteria: Ambry Variant Classification Scheme 2023. Collection method: clinical testing. Allele origin: germline.

Labcorp Genetics (formerly Invitae), Labcorp
Classification: Uncertain significance for Congenital myasthenic syndrome 9; Fetal akinesia deformation sequence 1. Last evaluated: 2024-10-29. Review status: criteria provided, single submitter. Criteria: Invitae Variant Classification Sherloc (09022015). Collection method: clinical testing. Allele origin: germline.
Comment: This sequence change replaces alanine, which is neutral and non-polar, with threonine, which is neutral and polar, at codon 327 of the MUSK protein (p.Ala327Thr). This variant is present in population databases (rs776201930, gnomAD 0.01%). This variant has not been reported in the literature in individuals affected with MUSK-related conditions. ClinVar contains an entry for this variant (Variation ID: 844110). Invitae Evidence Modeling of protein sequence and biophysical properties (such as structural, functional, and spatial information, amino acid conservation, physicochemical variation, residue mobility, and thermodynamic stability) indicates that this missense variant is not expected to disrupt MUSK protein function with a negative predictive value of 95%. In summary, the available evidence is currently insufficient to determine the role of this variant in disease. Therefore, it has been classified as a Variant of Uncertain Significance.

Revvity Omics, Revvity
Classification: Uncertain significance. Last evaluated: 2020-03-03. Review status: criteria provided, single submitter. Criteria: ACMG Guidelines, 2015. Collection method: clinical testing. Allele origin: germline.

NM_005592.4(MUSK):c.979G>A (p.Ala327Thr)

Gene: MUSK (muscle associated receptor tyrosine kinase; plus strand). Cytogenetic location: 9q31.3.
Variant type: single nucleotide variant.
Coding change: c.979G>A on transcript NM_005592.4 (MANE Select); coding-DNA position 979, G replaced by A.
Protein change: p.Ala327Thr; replaces alanine 327 with threonine.
Molecular consequence: missense variant. On other transcripts: 5 prime UTR variant (1), intron variant (2).
Genome position (GRCh38, 1-based): chr9:110,767,878, G>A. VCF-style: chr9-110767878-G-A. GRCh37 (hg19) VCF-style: chr9-113530158-G-A.
Other names: c.-258G>A (NM_001369398.1); c.950+5670G>A (NM_001166280.2); c.920+5670G>A (NM_001166281.2); short protein forms A327T.
Identifiers: ClinVar variation 844110 (VCV000844110.12), dbSNP rs776201930, ClinGen allele CA5184257.